The following is an entry in ClinVar:

NM_000059.4(BRCA2):c.9730G>A (p.Val3244Ile)

Gene: BRCA2 (BRCA2 DNA repair associated; plus strand). Cytogenetic location: 13q13.1.
Variant type: single nucleotide variant.
Coding change: c.9730G>A on transcript NM_000059.4 (MANE Select); coding-DNA position 9730, G replaced by A.
Protein change: p.Val3244Ile; replaces valine 3244 with isoleucine.
Molecular consequence: missense variant.
Genome position (GRCh38, 1-based): chr13:32,398,243, G>A. VCF-style: chr13-32398243-G-A. GRCh37 (hg19) VCF-style: chr13-32972380-G-A.
Other names: 9958 G>A; NP_000050.3:p.Val3244Ile; short protein forms V3244I.
Identifiers: ClinVar variation 41572 (VCV000041572.121), dbSNP rs11571831, ClinGen allele CA026287.

ClinVar aggregate classification (germline): Benign. Review status: reviewed by expert panel (3 of 4 stars). 38 submissions from 36 submitters: Benign (1). 37 of the submissions do not count toward it. Last evaluated 2015-01-12.

Conditions:
Wilms tumor 1 (WT1). Also called: Wilms tumor, somatic. Identifiers: Orphanet 654, MedGen CN033288, MONDO:0008679, OMIM 194070.
Medulloblastoma (MDB). Also called: Medulloblastoma, somatic; MEDULLOBLASTOMA PREDISPOSITION SYNDROME. Identifiers: Orphanet 616, MedGen C0025149, MeSH D008527, MONDO:0007959, OMIM 155255, HP:0002885.
Breast-ovarian cancer, familial, susceptibility to, 2 (BROVCA2). Also called: BRCA2 Hereditary Breast and Ovarian Cancer. Identifiers: Orphanet 145, MedGen C2675520, MONDO:0012933, OMIM 612555. Disease mechanism: loss of function.
Familial cancer of breast. Also called: Hereditary breast cancer; hereditary breast carcinoma; BREAST CANCER, FAMILIAL. Identifiers: Orphanet 227535, MedGen C0346153, MONDO:0016419, OMIM 114480. Disease mechanism: loss of function.
Glioma susceptibility 3 (GLM3). Also called: Glioblastoma 3. Identifiers: Orphanet 182067, Orphanet 360, MedGen C2751641, MONDO:0013093, OMIM 613029.
Pancreatic cancer, susceptibility to, 2. Identifiers: Orphanet 1333, MedGen C3150546, MONDO:0013235, OMIM 613347.
Prostate cancer. Also called: Malignant tumor of prostate. Identifiers: Orphanet 1331, MedGen C0376358, MONDO:0008315, HP:0012125.
Fanconi anemia complementation group D1. Also called: BRCA2-Related Fanconi Anemia. Identifiers: Orphanet 319462, MedGen C1838457, MONDO:0011584, OMIM 605724.
BRCA2-related cancer predisposition. Identifiers: MedGen CN377758, MONDO:0700269.
Breast and/or ovarian cancer. Identifiers: MedGen CN221562.
Hereditary cancer-predisposing syndrome. Also called: Neoplastic Syndromes, Hereditary; Hereditary neoplastic syndrome; Hereditary Cancer Syndrome; Tumor predisposition. Identifiers: Orphanet 140162, MedGen C0027672, MeSH D009386, MONDO:0015356.
Hereditary breast ovarian cancer syndrome. Also called: Hereditary breast and ovarian cancer syndrome (HBOC); Breast and ovarian cancer; BRCA1- and BRCA2-Associated Hereditary Breast and Ovarian Cancer; Hereditary breast and ovarian cancer syndrome; Hereditary breast and ovarian cancer; Hereditary breast and/or ovarian cancer syndrome. Identifiers: Orphanet 145, MedGen C0677776, MeSH D061325, MONDO:0003582. Disease mechanism: loss of function.
Malignant tumor of breast. Also called: Malignant breast neoplasm; Cancer breast. Identifiers: MedGen C0006142, MONDO:0007254. Disease mechanism: loss of function.

Allele frequency attached by ClinVar (database versions not stated): ESP Exome Variant Server 0.00830; gnomAD 0.00725 and 0.00792; 1000 Genomes Project 30x 0.00734; 1000 Genomes Project 0.00679; TOPMed 0.00787.
gnomAD v4.1: 2,154 of 1,614,000 alleles (0.13%); highest among the groups gnomAD compares: African/African-American, 2.5%; 24 homozygotes.

Submissions 1 to 17 of 38:

Evidence-based Network for the Interpretation of Germline Mutant Alleles (ENIGMA)
Classification: Benign for Breast-ovarian cancer, familial 2. Last evaluated: 2015-01-12. Review status: reviewed by expert panel. Criteria: ENIGMA BRCA1/2 Classification Criteria (2015). Collection method: curation. Allele origin: germline.
Comment: Class 1 not pathogenic based on frequency >1% in an outbred sampleset. Frequency 0.02642 (African), derived from 1000 genomes (2012-04-30).

CeGaT Center for Human Genetics Tuebingen
Classification: Benign. Last evaluated: 2026-08-01. Review status: criteria provided, single submitter. Criteria: CeGaT Center For Human Genetics Tuebingen Variant Classification Criteria Version 2. Collection method: clinical testing. Allele origin: germline. Affected: yes. Observed: 8 variant alleles. Not counted in ClinVar's aggregate classification.
Comment: BRCA2: BP4, BS1, BS2

Labcorp Genetics (formerly Invitae), Labcorp
Classification: Benign for Hereditary breast ovarian cancer syndrome. Last evaluated: 2026-02-04. Review status: criteria provided, single submitter. Criteria: Invitae Variant Classification Sherloc (09022015). Collection method: clinical testing. Allele origin: germline. Not counted in ClinVar's aggregate classification.

ARUP Laboratories, Molecular Genetics and Genomics, ARUP Laboratories
Classification: Benign. Last evaluated: 2025-04-01. Review status: criteria provided, single submitter. Criteria: ARUP Molecular Germline Variant Investigation Process 2024. Collection method: clinical testing. Allele origin: germline. Not counted in ClinVar's aggregate classification.

Center for Genomic Medicine, Rigshospitalet, Copenhagen University Hospital
Classification: Benign. Last evaluated: 2025-03-04. Review status: criteria provided, single submitter. Criteria: ACMG Guidelines, 2015. Collection method: clinical testing. Allele origin: germline. Not counted in ClinVar's aggregate classification.

KCCC/NGS Laboratory, Kuwait Cancer Control Center
Classification: Benign for Familial cancer of breast. Last evaluated: 2025-02-01. Review status: criteria provided, single submitter. Criteria: ACMG Guidelines, 2015. Collection method: clinical testing. Allele origin: germline. Affected: no. Not counted in ClinVar's aggregate classification.

Dasa
Classification: Benign for Breast-ovarian cancer, familial, susceptibility to, 2. Last evaluated: 2024-12-07. Review status: criteria provided, single submitter. Criteria: DASA Assertion Criteria. Collection method: clinical testing. Allele origin: germline. Not counted in ClinVar's aggregate classification.
Comment: NM_000059.4(BRCA2):c.9730G>A (p.Val3244Ile) is a missense variant that results in the substitution of valine with isoleucine. Population frequency is inconsistent with a disease-causing role for this variant, and observations in unaffected individuals support a benign interpretation. Computational prediction algorithms are consistent with a benign effect. Therefore, based on the currently available evidence, this variant is classified as benign.

Blueprint Genetics
Classification: Likely benign. Last evaluated: 2024-11-25. Review status: criteria provided, single submitter. Criteria: ACMG Guidelines, 2015. Collection method: clinical testing. Allele origin: germline. Not counted in ClinVar's aggregate classification.

All of Us Research Program, National Institutes of Health
Classification: Benign for BRCA2-related cancer predisposition. Last evaluated: 2024-09-27. Review status: criteria provided, single submitter. Criteria: ACMG Guidelines, 2015. Collection method: clinical testing. Allele origin: germline. Inheritance: Autosomal dominant inheritance. Observed: 591 variant alleles, 585 heterozygotes, 5 homozygotes, 1 hemizygote. Not counted in ClinVar's aggregate classification.
Comment: This study involves interpretation of variants in research participants for the purpose of population health screening. Participant phenotype was not available at the time of variant classification. Additional details can be found in publication PMID: 35346344, PMCID: PMC8962531

KCCC/NGS Laboratory, Kuwait Cancer Control Center
Classification: Benign for Breast-ovarian cancer, familial, susceptibility to, 2. Last evaluated: 2023-07-07. Review status: criteria provided, single submitter. Criteria: ACMG Guidelines, 2015. Collection method: clinical testing. Allele origin: germline. Affected: yes. Not counted in ClinVar's aggregate classification.

National Health Laboratory Service, Universitas Academic Hospital and University of the Free State
Classification: Benign for Hereditary breast ovarian cancer syndrome. Last evaluated: 2022-04-19. Review status: criteria provided, single submitter. Criteria: ACMG Guidelines, 2015. Collection method: clinical testing. Allele origin: germline. Affected: yes. Observed: 43 variant alleles. Not counted in ClinVar's aggregate classification.

Fulgent Genetics
Classification: Benign for Familial cancer of breast; Medulloblastoma; Familial prostate cancer; Wilms tumor 1; Fanconi anemia complementation group D1; Breast-ovarian cancer, familial, susceptibility to, 2; Glioma susceptibility 3; Pancreatic cancer, susceptibility to, 2. Last evaluated: 2022-04-13. Review status: criteria provided, single submitter. Criteria: ACMG Guidelines, 2015. Collection method: clinical testing. Allele origin: unknown. Not counted in ClinVar's aggregate classification.

Genetics Program, Instituto Nacional de Cancer
Classification: Benign for Hereditary breast ovarian cancer syndrome. Last evaluated: 2021-11-01. Review status: criteria provided, single submitter. Criteria: ACMG Guidelines, 2015. Collection method: research. Allele origin: germline. Affected: yes. Not counted in ClinVar's aggregate classification.

Sema4
Classification: Benign for Hereditary cancer-predisposing syndrome. Last evaluated: 2020-06-25. Review status: criteria provided, single submitter. Criteria: Sema4 Curation Guidelines. Collection method: curation. Allele origin: germline. Not counted in ClinVar's aggregate classification.

Institute for Biomarker Research, Medical Diagnostic Laboratories, L.L.C.
Classification: Likely benign for Hereditary cancer-predisposing syndrome. Last evaluated: 2018-01-16. Review status: criteria provided, single submitter. Criteria: ACMG Guidelines, 2015. Collection method: clinical testing. Allele origin: germline. Not counted in ClinVar's aggregate classification.

Illumina Laboratory Services, Illumina
Classification: Benign for Fanconi anemia complementation group D1. Last evaluated: 2018-01-12. Review status: criteria provided, single submitter. Criteria: ICSL Variant Classification Criteria 13 December 2019. Collection method: clinical testing. Allele origin: germline. Not counted in ClinVar's aggregate classification.
Comment: This variant was observed in the ICSL laboratory as part of a predisposition screen in an ostensibly healthy population. It had not been previously curated by ICSL or reported in the Human Gene Mutation Database (HGMD: prior to June 1st, 2018), and was therefore a candidate for classification through an automated scoring system. Utilizing variant allele frequency, disease prevalence and penetrance estimates, and inheritance mode, an automated score was calculated to assess if this variant is too frequent to cause the disease. Based on the score and internal cut-off values, a variant classified as benign is not then subjected to further curation. The score for this variant resulted in a classification of benign for this disease.

Illumina Laboratory Services, Illumina
Classification: Benign for Breast-ovarian cancer, familial, susceptibility to, 2. Last evaluated: 2018-01-12. Review status: criteria provided, single submitter. Criteria: ICSL Variant Classification Criteria 13 December 2019. Collection method: clinical testing. Allele origin: germline. Not counted in ClinVar's aggregate classification.
Comment: the same text as in the submission from Illumina Laboratory Services, Illumina above.